The following is an entry in ClinVar:

ClinVar aggregate classification (germline): Uncertain significance. Review status: criteria provided, multiple submitters, no conflicts (2 of 4 stars). 3 submissions from 3 submitters: Uncertain significance (3). Last evaluated 2025-08-22.

Conditions:
Inborn genetic diseases. Identifiers: MedGen C0950123, MeSH D030342.
Bethlem myopathy 1A. Also called: MYOPATHY, BENIGN CONGENITAL, WITH CONTRACTURES; Bethlem myopathy 1; Bethlem Muscular Dystrophy. Identifiers: Orphanet 610, MedGen CN029274, MONDO:0024530, OMIM 158810.

Allele frequency attached by ClinVar (database versions not stated): gnomAD exomes below 0.00001; ExAC 0.00001; TOPMed 0.00001.
gnomAD v4.1: 35 of 1,614,122 alleles (0.0022%); highest among the groups gnomAD compares: Non-Finnish European, 0.0028%; no homozygotes.

Submissions (3):

Ambry Genetics
Classification: Uncertain significance for Inborn genetic diseases. Last evaluated: 2025-08-22. Review status: criteria provided, single submitter. Criteria: Ambry Variant Classification Scheme 2023. Collection method: clinical testing. Allele origin: germline.

Labcorp Genetics (formerly Invitae), Labcorp
Classification: Uncertain significance for Bethlem myopathy 1A. Last evaluated: 2024-11-17. Review status: criteria provided, single submitter. Criteria: Invitae Variant Classification Sherloc (09022015). Collection method: clinical testing. Allele origin: germline.
Comment: This sequence change replaces arginine, which is basic and polar, with serine, which is neutral and polar, at codon 1769 of the COL6A3 protein (p.Arg1769Ser). This variant is present in population databases (rs755698278, gnomAD 0.0009%). This variant has not been reported in the literature in individuals affected with COL6A3-related conditions. ClinVar contains an entry for this variant (Variation ID: 851647). Invitae Evidence Modeling of protein sequence and biophysical properties (such as structural, functional, and spatial information, amino acid conservation, physicochemical variation, residue mobility, and thermodynamic stability) indicates that this missense variant is not expected to disrupt COL6A3 protein function with a negative predictive value of 80%. In summary, the available evidence is currently insufficient to determine the role of this variant in disease. Therefore, it has been classified as a Variant of Uncertain Significance.

Revvity Omics, Revvity
Classification: Uncertain significance. Last evaluated: 2021-11-16. Review status: criteria provided, single submitter. Criteria: ACMG Guidelines, 2015. Collection method: clinical testing. Allele origin: germline.

NM_004369.4(COL6A3):c.5307G>T (p.Arg1769Ser)

Gene: COL6A3 (collagen type VI alpha 3 chain; minus strand). Cytogenetic location: 2q37.3.
Variant type: single nucleotide variant.
Coding change: c.5307G>T on transcript NM_004369.4 (MANE Select); coding-DNA position 5307, G replaced by T.
Protein change: p.Arg1769Ser; replaces arginine 1769 with serine.
Molecular consequence: missense variant.
Genome position (GRCh38, 1-based): chr2:237,366,880, C>A on the plus strand (G>T on the coding strand, the complement: COL6A3 is on the minus strand). VCF-style: chr2-237366880-C-A. GRCh37 (hg19) VCF-style: chr2-238275523-C-A.
Other names: c.3486G>T, p.Arg1162Ser (NM_057166.5); c.4689G>T, p.Arg1563Ser (NM_057167.4); short protein forms R1563S, R1162S, R1769S.
Identifiers: ClinVar variation 851647 (VCV000851647.12), dbSNP rs755698278, ClinGen allele CA2188702.
Genomic context (GRCh38, chr2:237,366,880, plus strand): 5'-TATCTTTCCAACCTCCTCCGAGTCGATATTCCTCACTCCAACAGCAAACACTTTGACCCC[C>A]CTCTGGGTGAGGGCCAGGCTCACATCCTGTGCATCTTCCACCGACTTTCCTCCCGTGATC-3'
Protein context (NP_004360.2, residues 1759-1779): AQDVSLALTQ[Arg1769Ser]GVKVFAVGVR